The following is an entry in ClinVar:

ClinVar aggregate classification (germline): Benign. Review status: criteria provided, single submitter (1 of 4 stars). 2 submissions from 2 submitters: Benign (1). 1 of the submissions does not count toward it.

Allele frequency attached by ClinVar (database versions not stated): gnomAD exomes 0.00267 and 0.00671; ESP Exome Variant Server 0.03099; gnomAD 0.02662 and 0.02863; TOPMed 0.02968; ExAC 0.00836; 1000 Genomes Project 0.03215; 1000 Genomes Project 30x 0.03482.
gnomAD v4.1: 8,149 of 1,613,854 alleles (0.5%); highest among the groups gnomAD compares: African/African-American, 9.3%; 344 homozygotes.

Submissions (2):

Breakthrough Genomics
Classification: Benign. Review status: criteria provided, single submitter. Criteria: ACMG Guidelines, 2015. Collection method: not provided. Allele origin: germline. Inheritance: Autosomal dominant inheritance. Affected: yes.

Genetic Services Laboratory, University of Chicago
Classification: Likely benign for AllHighlyPenetrant. Review status: no assertion criteria provided. Collection method: clinical testing. Allele origin: germline. Not counted in ClinVar's aggregate classification.
Comment: Likely benign based on allele frequency in 1000 Genomes Project or ESP global frequency and its presence in a patient with a rare or unrelated disease phenotype. NOT Sanger confirmed.

NM_004409.5(DMPK):c.456G>A (p.Val152=)

Gene: DMPK (DM1 protein kinase; minus strand). Cytogenetic location: 19q13.32.
Variant type: single nucleotide variant.
Coding change: c.456G>A on transcript NM_004409.5 (MANE Select); coding-DNA position 456, G replaced by A.
Protein change: p.Val152=; no amino-acid change (valine 152 retained).
Molecular consequence: synonymous variant.
Genome position (GRCh38, 1-based): chr19:45,778,618, C>T on the plus strand (G>A on the coding strand, the complement: DMPK is on the minus strand). VCF-style: chr19-45778618-C-T. GRCh37 (hg19) VCF-style: chr19-46281876-C-T.
Other names: c.456G>A, p.Val152= (NM_001081560.3, NM_001081562.3, NM_001288766.2 and 5 more transcripts); c.486G>A, p.Val162= (NM_001081563.3); c.534G>A, p.Val178= (NM_001288764.2, NM_001424163.1); c.189G>A, p.Val63= (NM_001288765.2); c.15G>A, p.Val5= (NM_001424166.1).
Identifiers: ClinVar variation 128900 (VCV000128900.7), dbSNP rs34798952, ClinGen allele CA152580.
Genomic context (GRCh38, chr19:45,778,618, plus strand): 5'-CGCCATCTCGGCCGGAATCCGCTCCCCAAACTTGCTCAGCAGTGTCAGCAGGTCCCCGCC[C>T]ACGTAATACTCCATGACCAGGTACTGAGAAGGGGTTCGTCATGGGTGGTTGGTAGTCCCC-3'
Protein context (NP_004400.4, residues 142-162): NYLYLVMEYY[Val152=]GGDLLTLLSK